The following is an entry in ClinVar:

NM_014991.6(WDFY3):c.6706G>A (p.Ala2236Thr)

Gene: WDFY3 (WD repeat and FYVE domain containing 3; minus strand). Cytogenetic location: 4q21.23.
Variant type: single nucleotide variant.
Coding change: c.6706G>A on transcript NM_014991.6 (MANE Select); coding-DNA position 6706, G replaced by A.
Protein change: p.Ala2236Thr; replaces alanine 2236 with threonine.
Molecular consequence: missense variant.
Genome position (GRCh38, 1-based): chr4:84,737,235, C>T on the plus strand (G>A on the coding strand, the complement: WDFY3 is on the minus strand). VCF-style: chr4-84737235-C-T. GRCh37 (hg19) VCF-style: chr4-85658388-C-T.
Other names: short protein forms A2236T.
Identifiers: ClinVar variation 1803361 (VCV001803361.1), dbSNP rs1737604801, ClinGen allele CA357551934.

ClinVar aggregate classification (germline): Uncertain significance (1 of 4 stars; one submission).

Allele frequency attached by ClinVar (database versions not stated): gnomAD exomes below 0.00001; gnomAD 0.00001; TOPMed 0.00001.
gnomAD v4.1: 3 of 1,613,968 alleles (0.00019%); highest among the groups gnomAD compares: African/African-American, 0.0027%; no homozygotes.

Submission:

GeneDx
Classification: Uncertain significance. Last evaluated: 2022-06-09. Review status: criteria provided, single submitter. Criteria: GeneDx Variant Classification Process June 2021. Collection method: clinical testing. Allele origin: germline. Affected: yes.
Comment: Not observed at significant frequency in large population cohorts (gnomAD); In silico analysis supports that this missense variant does not alter protein structure/function; Has not been previously published as pathogenic or benign to our knowledge